The following is an entry in ClinVar:

ClinVar aggregate classification (germline): Uncertain significance (1 of 4 stars; one submission).

Submission:

Dasa
Classification: Uncertain significance. Last evaluated: 2026-08-13. Review status: criteria provided, single submitter. Criteria: DASA Assertion Criteria. Collection method: clinical testing. Allele origin: germline.
Comment: NM_014927.5(CNKSR2):c.2255G>A (p.Ser752Asn) is a missense variant that results in the substitution of serine with asparagine. This variant is rare in population databases. Computational prediction algorithms are consistent with a benign effect. The currently available literature and clinical evidence are not sufficient to establish a definitive association between this variant and the reported condition. Therefore, this variant is classified as a variant of uncertain significance.

NM_014927.5(CNKSR2):c.2255G>A (p.Ser752Asn)

Gene: CNKSR2 (connector enhancer of kinase suppressor of Ras 2; plus strand). Cytogenetic location: Xp22.12.
Variant type: single nucleotide variant.
Coding change: c.2255G>A on transcript NM_014927.5 (MANE Select); coding-DNA position 2255, G replaced by A.
Protein change: p.Ser752Asn; replaces serine 752 with asparagine.
Molecular consequence: missense variant.
Genome position (GRCh38, 1-based): chrX:21,609,180, G>A. VCF-style: chrX-21609180-G-A. GRCh37 (hg19) VCF-style: chrX-21627298-G-A.
Other names: c.2165G>A, p.Ser722Asn (NM_001168647.3, NM_001330773.2); c.2255G>A, p.Ser752Asn (NM_001168648.3); c.2108G>A, p.Ser703Asn (NM_001168649.3, NM_001330770.2); c.2018G>A, p.Ser673Asn (NM_001330771.2, NM_001330772.2); short protein forms S673N, S703N, S722N, S752N.
Identifiers: ClinVar variation 5020222 (VCV005020222.1).